The following is an entry in ClinVar:

ClinVar aggregate classification (germline): Uncertain significance (1 of 4 stars; one submission).

Submission:

Diagnostics Services (NGS), CSIR - Centre For Cellular And Molecular Biology
Classification: Uncertain significance. Last evaluated: 2025-07-21. Review status: criteria provided, single submitter. Criteria: ACMG Guidelines, 2015. Collection method: clinical testing. Allele origin: germline. Observed: 1 variant allele, 1 homozygote.
Comment: The c.1302G>A variant is not present in publicly available population databases like 1000 Genomes, EVS, gnomAD, Indian Exome Database or our internal database. This variant has neither been published in the literature for TBC1D24-related conditions nor reported to clinical databases like Human Genome Mutation database (HGMD), OMIM, or ClinVar in any affected individuals. This variant is present near the exon-intron splice junction (splice distance -1 bp) and algorithms developed to predict the effect of sequence changes on RNA splicing suggest that this variant may disrupt the consensus splice site, however these predictions were not confirmed by published functional/translational studies.

NM_001199107.2(TBC1D24):c.1302G>A (p.Arg434=)

Gene: TBC1D24 (TBC1 domain family member 24; plus strand). Cytogenetic location: 16p13.3.
Variant type: single nucleotide variant.
Coding change: c.1302G>A on transcript NM_001199107.2 (MANE Select); coding-DNA position 1302, G replaced by A.
Protein change: p.Arg434=; no amino-acid change (arginine 434 retained).
Molecular consequence: synonymous variant.
Genome position (GRCh38, 1-based): chr16:2,499,930, G>A. VCF-style: chr16-2499930-G-A. GRCh37 (hg19) VCF-style: chr16-2549931-G-A.
Other names: c.1284G>A, p.Arg428= (NM_020705.3).
Identifiers: ClinVar variation 4070943 (VCV004070943.1).
Genomic context (GRCh38, chr16:2,499,930, plus strand): 5'-GAGAAATAAGTTTGGAGGCAAACTGGGCTTCTTTGGGACCGGAGAATGCTTTGTGTTTAG[G>A]GTGAGTGGGGCCAAGTGTCCCCAAACCCCCACGCAGACCCTGTAGCTGCATCCCTCCAGG-3'
Protein context (NP_001186036.1, residues 424-444): FFGTGECFVF[Arg434=]LQPEVQRYEW